The following is an entry in ClinVar:

ClinVar aggregate classification (germline): Uncertain significance. Review status: criteria provided, multiple submitters, no conflicts (2 of 4 stars). 3 submissions from 3 submitters: Uncertain significance (3). Last evaluated 2025-11-05.

Conditions:
Cardiovascular phenotype. Identifiers: MedGen CN230736.
Hereditary cancer-predisposing syndrome. Also called: Hereditary Cancer Syndrome; Neoplastic Syndromes, Hereditary; Tumor predisposition; Hereditary neoplastic syndrome. Identifiers: Orphanet 140162, MedGen C0027672, MeSH D009386, MONDO:0015356.
Noonan syndrome 10 (NS10). Identifiers: Orphanet 648, MedGen C4225280, MONDO:0014693, OMIM 616564.
Noonan syndrome 2 (NS2). Identifiers: Orphanet 648, MedGen C1854469, MONDO:0011531, OMIM 605275.
LZTR1-related schwannomatosis. Also called: Schwannomatosis-2, susceptibility to; Schwannomatosis 2. Identifiers: Orphanet 93921, MedGen C3810283, MONDO:0014299, OMIM 615670.

Allele frequency attached by ClinVar (database versions not stated): gnomAD exomes below 0.00001; gnomAD 0.00001.
gnomAD v4.1: 2 of 1,610,800 alleles (0.00012%); highest among the groups gnomAD compares: Non-Finnish European, 0.00017%; no homozygotes.

Submissions (3):

Labcorp Genetics (formerly Invitae), Labcorp
Classification: Uncertain significance. Last evaluated: 2025-11-05. Review status: criteria provided, single submitter. Criteria: Invitae Variant Classification Sherloc (09022015). Collection method: clinical testing. Allele origin: germline.
Comment: This sequence change replaces tryptophan, which is neutral and slightly polar, with arginine, which is basic and polar, at codon 162 of the LZTR1 protein (p.Trp162Arg). This variant is present in population databases (no rsID available, gnomAD 0.007%). This variant has not been reported in the literature in individuals affected with LZTR1-related conditions. ClinVar contains an entry for this variant (Variation ID: 1743571). Invitae Evidence Modeling of protein sequence and biophysical properties (such as structural, functional, and spatial information, amino acid conservation, physicochemical variation, residue mobility, and thermodynamic stability) indicates that this missense variant is not expected to disrupt LZTR1 protein function with a negative predictive value of 80%. In summary, the available evidence is currently insufficient to determine the role of this variant in disease. Therefore, it has been classified as a Variant of Uncertain Significance.

Ambry Genetics
Classification: Uncertain significance for Cardiovascular phenotype; Hereditary cancer-predisposing syndrome. Last evaluated: 2024-10-08. Review status: criteria provided, single submitter. Criteria: Ambry Variant Classification Scheme 2023. Collection method: clinical testing. Allele origin: germline.
Comment: The p.W162R variant (also known as c.484T>C), located in coding exon 5 of the LZTR1 gene, results from a T to C substitution at nucleotide position 484. The tryptophan at codon 162 is replaced by arginine, an amino acid with dissimilar properties. This amino acid position is highly conserved in available vertebrate species. In addition, this alteration is predicted to be deleterious by in silico analysis. Based on the available evidence, the clinical significance of this variant remains unclear.

Fulgent Genetics
Classification: Uncertain significance for Noonan syndrome 2; LZTR1-related schwannomatosis; Noonan syndrome 10. Last evaluated: 2024-03-25. Review status: criteria provided, single submitter. Criteria: ACMG Guidelines, 2015. Collection method: clinical testing. Allele origin: germline.

NM_006767.4(LZTR1):c.484T>C (p.Trp162Arg)

Gene: LZTR1 (leucine zipper like post translational regulator 1; plus strand). Cytogenetic location: 22q11.21.
Variant type: single nucleotide variant.
Coding change: c.484T>C on transcript NM_006767.4 (MANE Select); coding-DNA position 484, T replaced by C.
Protein change: p.Trp162Arg; replaces tryptophan 162 with arginine.
Molecular consequence: missense variant.
Genome position (GRCh38, 1-based): chr22:20,988,093, T>C. VCF-style: chr22-20988093-T-C. GRCh37 (hg19) VCF-style: chr22-21342382-T-C.
Other names: short protein forms W162R.
Identifiers: ClinVar variation 1743571 (VCV001743571.9), dbSNP rs1278639893, ClinGen allele CA410779886.